The following is an entry in ClinVar:

NM_006412.4(AGPAT2):c.749G>A (p.Arg250Gln)

Gene: AGPAT2 (1-acylglycerol-3-phosphate O-acyltransferase 2; minus strand). Cytogenetic location: 9q34.3.
Variant type: single nucleotide variant.
Coding change: c.749G>A on transcript NM_006412.4 (MANE Select); coding-DNA position 749, G replaced by A.
Protein change: p.Arg250Gln; replaces arginine 250 with glutamine.
Molecular consequence: missense variant.
Genome position (GRCh38, 1-based): chr9:136,673,840, C>T on the plus strand (G>A on the coding strand, the complement: AGPAT2 is on the minus strand). VCF-style: chr9-136673840-C-T. GRCh37 (hg19) VCF-style: chr9-139568292-C-T.
Other names: c.653G>A, p.Arg218Gln (NM_001012727.2); short protein forms R218Q, R250Q.
Identifiers: ClinVar variation 912322 (VCV000912322.33), dbSNP rs368090654, ClinGen allele CA5342829.

ClinVar aggregate classification (germline): Conflicting classifications of pathogenicity. Review status: criteria provided, conflicting classifications (1 of 4 stars). 5 submissions from 5 submitters: Uncertain significance (3); Likely benign (2). Last evaluated 2025-10-01.

Conditions:
Congenital generalized lipodystrophy type 1 (CGL1). Also called: BRUNZELL SYNDROME, AGPAT2-RELATED; Berardinelli-Seip Congenital Lipodystrophy Type 1. Identifiers: Orphanet 528, Orphanet 696189, MedGen C1720862, MONDO:0012071, OMIM 608594.
Inborn genetic diseases. Identifiers: MedGen C0950123, MeSH D030342.

Allele frequency attached by ClinVar (database versions not stated): gnomAD 0.00007 and 0.00008; TOPMed 0.00008; gnomAD exomes 0.00009; ExAC 0.00015; ESP Exome Variant Server 0.00015.
gnomAD v4.1: 173 of 1,606,096 alleles (0.011%); highest among the groups gnomAD compares: Non-Finnish European, 0.014%; no homozygotes.

Submissions (5):

CeGaT Center for Human Genetics Tuebingen
Classification: Likely benign. Last evaluated: 2025-10-01. Review status: criteria provided, single submitter. Criteria: CeGaT Center For Human Genetics Tuebingen Variant Classification Criteria Version 2. Collection method: clinical testing. Allele origin: germline. Affected: yes. Observed: 2 variant alleles.
Comment: AGPAT2: BP4

Ambry Genetics
Classification: Likely benign for Inborn genetic diseases. Last evaluated: 2025-02-14. Review status: criteria provided, single submitter. Criteria: Ambry Variant Classification Scheme 2023. Collection method: clinical testing. Allele origin: germline.

Fulgent Genetics
Classification: Uncertain significance for Congenital generalized lipodystrophy type 1. Last evaluated: 2024-05-09. Review status: criteria provided, single submitter. Criteria: ACMG Guidelines, 2015. Collection method: clinical testing. Allele origin: germline.

Labcorp Genetics (formerly Invitae), Labcorp
Classification: Uncertain significance. Last evaluated: 2023-10-13. Review status: criteria provided, single submitter. Criteria: Invitae Variant Classification Sherloc (09022015). Collection method: clinical testing. Allele origin: germline.
Comment: This sequence change replaces arginine, which is basic and polar, with glutamine, which is neutral and polar, at codon 250 of the AGPAT2 protein (p.Arg250Gln). This variant is present in population databases (rs368090654, gnomAD 0.01%). This variant has not been reported in the literature in individuals affected with AGPAT2-related conditions. ClinVar contains an entry for this variant (Variation ID: 912322). Advanced modeling of protein sequence and biophysical properties (such as structural, functional, and spatial information, amino acid conservation, physicochemical variation, residue mobility, and thermodynamic stability) performed at Invitae indicates that this missense variant is not expected to disrupt AGPAT2 protein function. In summary, the available evidence is currently insufficient to determine the role of this variant in disease. Therefore, it has been classified as a Variant of Uncertain Significance.

Illumina Laboratory Services, Illumina
Classification: Uncertain significance for Congenital generalized lipodystrophy type 1. Last evaluated: 2017-04-27. Review status: criteria provided, single submitter. Criteria: ICSL Variant Classification Criteria 13 December 2019. Collection method: clinical testing. Allele origin: germline.